The following is an entry in ClinVar:

NM_000543.5(SMPD1):c.1179G>A (p.Trp393Ter)

Gene: SMPD1 (sphingomyelin phosphodiesterase 1; plus strand). Cytogenetic location: 11p15.4.
Variant type: single nucleotide variant.
Coding change: c.1179G>A on transcript NM_000543.5 (MANE Select); coding-DNA position 1179, G replaced by A.
Protein change: p.Trp393Ter; replaces tryptophan 393 with a stop codon.
Molecular consequence: nonsense. On other transcripts: non-coding transcript variant (1), intron variant (1).
Genome position (GRCh38, 1-based): chr11:6,393,303, G>A. VCF-style: chr11-6393303-G-A. GRCh37 (hg19) VCF-style: chr11-6414533-G-A.
Other names: c.1176G>A, p.Trp392Ter (NM_001007593.3); c.1179G>A, p.Trp393Ter (NM_001318087.2); c.258G>A, p.Trp86Ter (NM_001318088.2); c.1132-314G>A (NM_001365135.2); short protein forms W86*, W392*, W393*.
Identifiers: ClinVar variation 2942939 (VCV002942939.3), dbSNP rs2493814068, ClinGen allele CA379373281.

ClinVar aggregate classification (germline): Pathogenic (1 of 4 stars; one submission).

Conditions:
Niemann-Pick disease, type A. Also called: SPHINGOMYELIN LIPIDOSIS; SPHINGOMYELINASE DEFICIENCY; Infantile Neurovisceral ASMD (Niemann-Pick Disease Type A; NPD-A). Identifiers: Orphanet 77292, MedGen C0268242, MONDO:0009756, OMIM 257200. Disease mechanism: loss of function.
Niemann-Pick disease, type B. Also called: Chronic Visceral ASMD (Niemann-Pick Disease Type B; NPD-B). Identifiers: Orphanet 77293, MedGen C0268243, MONDO:0011871, OMIM 607616. Disease mechanism: loss of function.

Submission:

Labcorp Genetics (formerly Invitae), Labcorp
Classification: Pathogenic for Niemann-Pick disease, type B; Niemann-Pick disease, type A. Last evaluated: 2023-01-05. Review status: criteria provided, single submitter. Criteria: Invitae Variant Classification Sherloc (09022015). Collection method: clinical testing. Allele origin: germline.
Comment: For these reasons, this variant has been classified as Pathogenic. This variant has not been reported in the literature in individuals affected with SMPD1-related conditions. This variant is not present in population databases (gnomAD no frequency). This sequence change creates a premature translational stop signal (p.Trp393*) in the SMPD1 gene. It is expected to result in an absent or disrupted protein product. Loss-of-function variants in SMPD1 are known to be pathogenic (PMID: 12369017, 15221801).

Literature cited by the submitters: PubMed 12369017; PubMed 15221801.